The following is an entry in ClinVar:

ClinVar aggregate classification (germline): Conflicting classifications of pathogenicity. Review status: criteria provided, conflicting classifications (1 of 4 stars). 3 submissions from 3 submitters: Uncertain significance (2); Likely benign (1). Last evaluated 2026-01-24.

Allele frequency attached by ClinVar (database versions not stated): TOPMed 0.00050; ESP Exome Variant Server 0.00069; 1000 Genomes Project 0.00120; 1000 Genomes Project 30x 0.00172.

Submissions (4):

Labcorp Genetics (formerly Invitae), Labcorp
Classification: Likely benign. Last evaluated: 2026-01-24. Review status: criteria provided, single submitter. Criteria: Invitae Variant Classification Sherloc (09022015). Collection method: clinical testing. Allele origin: germline.

GeneDx
Classification: Uncertain significance. Last evaluated: 2024-10-22. Review status: criteria provided, single submitter. Criteria: GeneDx Variant Classification Process June 2021. Collection method: clinical testing. Allele origin: germline. Affected: yes.
Comment: Alters the last nucleotide of the exon and is predicted to destroy the splice donor site and result in aberrant splicing, although in the absence of functional evidence the actual effect of this sequence change is unknown; Has not been previously published as pathogenic or benign to our knowledge

Eurofins Ntd Llc (ga)
Classification: Uncertain significance. Last evaluated: 2016-08-09. Review status: criteria provided, single submitter. Criteria: EGL Classification Definitions 2015. Collection method: clinical testing. Allele origin: germline. Observed: 1 variant allele, 1 heterozygote.

Dr. Peter K. Rogan Lab, Western University
No classification provided (evidence only). Condition: Hepatocellular carcinoma. Review status: no classification provided. Collection method: in vitro. Allele origin: not applicable. Functional consequence: retained intron. Not counted in ClinVar's aggregate classification.

NM_006059.4(LAMC3):c.1939G>C (p.Gly647Arg)

Gene: LAMC3 (laminin subunit gamma 3; plus strand). Cytogenetic location: 9q34.12.
Variant type: single nucleotide variant.
Coding change: c.1939G>C on transcript NM_006059.4 (MANE Select); coding-DNA position 1939, G replaced by C.
Protein change: p.Gly647Arg; replaces glycine 647 with arginine.
Molecular consequence: missense variant.
Genome position (GRCh38, 1-based): chr9:131,052,965, G>C. VCF-style: chr9-131052965-G-C. GRCh37 (hg19) VCF-style: chr9-133928352-G-C.
Other names: short protein forms G647R.
Identifiers: ClinVar variation 289723 (VCV000289723.19), dbSNP rs144242690, ClinGen allele CA5287272.